The following is an entry in ClinVar:

ClinVar aggregate classification (germline): Uncertain significance. Review status: criteria provided, multiple submitters, no conflicts (2 of 4 stars). 5 submissions from 5 submitters: Uncertain significance (4). 1 of the submissions does not count toward it. Last evaluated 2024-04-24.

Conditions:
Hyperinsulinemia. Also called: Hyperinsulinism. Identifiers: MedGen C0020459, MONDO:0002177, HP:0000842.
Diabetes mellitus, transient neonatal, 3 (TNDM3). Identifiers: Orphanet 99886, MedGen C1864623, MONDO:0012522, OMIM 610582. Disease mechanism: loss of function.
Hyperinsulinemic hypoglycemia, familial, 2. Also called: HYPERINSULINEMIC HYPOGLYCEMIA, PERSISTENT; HYPERINSULINISM, NEONATAL. Identifiers: Orphanet 276580, Orphanet 276603, MedGen C2931833, MONDO:0011153, OMIM 601820. Disease mechanism: loss of function.
Permanent neonatal diabetes mellitus 1. Also called: GCK-Related Permanent Neonatal Diabetes Mellitus. Identifiers: MedGen C5393570, MONDO:0100165, OMIM 606176.
Diabetes mellitus, permanent neonatal 2. Also called: KCNJ11-Related Permanent Neonatal Diabetes Mellitus. Identifiers: MedGen C5394296, MONDO:0030087, OMIM 618856.
Maturity-onset diabetes of the young type 13. Also called: MODY, TYPE 13. Identifiers: Orphanet 552, MedGen C4225365, MONDO:0014589, OMIM 616329.
Type 2 diabetes mellitus. Also called: Type II diabetes mellitus. Identifiers: MedGen C0011860, MeSH D003924, MONDO:0005148, OMIM 125853, HP:0005978.
Inborn genetic diseases. Identifiers: MedGen C0950123, MeSH D030342.

Allele frequency attached by ClinVar (database versions not stated): gnomAD exomes below 0.00001; ExAC 0.00001.
gnomAD v4.1: 8 of 1,613,616 alleles (0.0005%); highest among the groups gnomAD compares: South Asian, 0.0022%; no homozygotes.

Submissions (5):

Fulgent Genetics
Classification: Uncertain significance for Type 2 diabetes mellitus; Hyperinsulinemic hypoglycemia, familial, 2; Diabetes mellitus, transient neonatal, 3; Maturity-onset diabetes of the young type 13; Diabetes mellitus, permanent neonatal 2. Last evaluated: 2024-04-24. Review status: criteria provided, single submitter. Criteria: ACMG Guidelines, 2015. Collection method: clinical testing. Allele origin: germline.

Labcorp Genetics (formerly Invitae), Labcorp
Classification: Uncertain significance. Last evaluated: 2023-07-17. Review status: criteria provided, single submitter. Criteria: Invitae Variant Classification Sherloc (09022015). Collection method: clinical testing. Allele origin: germline.
Comment: This missense change has been observed in individual(s) with hyperinsulinism and/or type 2 diabetes mellitus (PMID: 27173951, 33046911). In summary, the available evidence is currently insufficient to determine the role of this variant in disease. Therefore, it has been classified as a Variant of Uncertain Significance. Advanced modeling of protein sequence and biophysical properties (such as structural, functional, and spatial information, amino acid conservation, physicochemical variation, residue mobility, and thermodynamic stability) performed at Invitae indicates that this missense variant is expected to disrupt KCNJ11 protein function. ClinVar contains an entry for this variant (Variation ID: 556784). This variant is present in population databases (rs768909861, gnomAD 0.0009%). This sequence change replaces arginine, which is basic and polar, with histidine, which is basic and polar, at codon 221 of the KCNJ11 protein (p.Arg221His).

Ambry Genetics
Classification: Uncertain significance for Inborn genetic diseases. Last evaluated: 2021-03-02. Review status: criteria provided, single submitter. Criteria: Ambry Variant Classification Scheme 2023. Collection method: clinical testing. Allele origin: germline.
Comment: The c.662G>A (p.R221H) alteration is located in exon 1 (coding exon 1) of the KCNJ11 gene. This alteration results from a G to A substitution at nucleotide position 662, causing the arginine (R) at amino acid position 221 to be replaced by a histidine (H). The in silico prediction for the p.R221H alteration is inconclusive. Based on insufficient or conflicting evidence, the clinical significance of this alteration remains unclear.

Clinical Genomics, Uppaluri K&H Personalized Medicine Clinic
Classification: Uncertain significance for Hyperinsulinemia. Review status: criteria provided, single submitter. Criteria: K & H Uppaluri Personalized Medicine Clinic Variant Classification & Assertion Criteria_Updated V.1. Collection method: research. Allele origin: somatic. Inheritance: Autosomal dominant inheritance.
Comment: Mutations in KCNJ11 gene can cause decreased production and secretion of insulin. This can lead to MODY which may be responsive to oral sulfonylureas. It is also associated with Neonatal Diabetes. This particular variant rs768909861 has been studied in Hyperinsulinemic Hypoglycemia cases, but significant association with the phenotype is not seen. More studies are required to ascertain the role of this variant in MODY.

Counsyl
Classification: Uncertain significance for Hyperinsulinemic hypoglycemia, familial, 2; Permanent neonatal diabetes mellitus 1; Diabetes mellitus, transient neonatal, 3. Last evaluated: 2018-02-22. Review status: no assertion criteria provided. Collection method: clinical testing. Allele origin: unknown. Not counted in ClinVar's aggregate classification.

Literature cited by the submitters: PubMed 27173951 (cited by 3 submitters); PubMed 33046911 (cited by Labcorp Genetics (formerly Invitae), Labcorp); PubMed 27181376 (cited by Clinical Genomics, Uppaluri K&H Personalized Medicine Clinic).

NM_000525.4(KCNJ11):c.662G>A (p.Arg221His)

Gene: KCNJ11 (potassium inwardly rectifying channel subfamily J member 11; minus strand). Cytogenetic location: 11p15.1.
Variant type: single nucleotide variant.
Coding change: c.662G>A on transcript NM_000525.4 (MANE Select); coding-DNA position 662, G replaced by A.
Protein change: p.Arg221His; replaces arginine 221 with histidine.
Molecular consequence: missense variant.
Genome position (GRCh38, 1-based): chr11:17,387,430, C>T on the plus strand (G>A on the coding strand, the complement: KCNJ11 is on the minus strand). VCF-style: chr11-17387430-C-T. GRCh37 (hg19) VCF-style: chr11-17408977-C-T.
Other names: c.401G>A, p.Arg134His (NM_001166290.2, NM_001377296.1, NM_001377297.1); short protein forms R221H, R134H.
Identifiers: ClinVar variation 556784 (VCV000556784.14), dbSNP rs768909861, ClinGen allele CA5902266.